The following is an entry in ClinVar:

NM_014806.5(RUSC2):c.2506G>A (p.Glu836Lys)

Gene: RUSC2 (RUN and SH3 domain containing 2; plus strand). Cytogenetic location: 9p13.3.
Variant type: single nucleotide variant.
Coding change: c.2506G>A on transcript NM_014806.5 (MANE Select); coding-DNA position 2506, G replaced by A.
Protein change: p.Glu836Lys; replaces glutamic acid 836 with lysine.
Molecular consequence: missense variant. On other transcripts: 5 prime UTR variant (1), non-coding transcript variant (1).
Genome position (GRCh38, 1-based): chr9:35,555,551, G>A. VCF-style: chr9-35555551-G-A. GRCh37 (hg19) VCF-style: chr9-35555548-G-A.
Other names: c.2506G>A, p.Glu836Lys (NM_001135999.2); c.-129G>A (NM_001330740.2); short protein forms E836K.
Identifiers: ClinVar variation 2072887 (VCV002072887.4), dbSNP rs530754048, ClinGen allele CA5043882.

ClinVar aggregate classification (germline): Uncertain significance (1 of 4 stars; one submission).

Allele frequency attached by ClinVar (database versions not stated): gnomAD 0.00001; gnomAD exomes 0.00001; ExAC 0.00003; 1000 Genomes Project 30x 0.00016; 1000 Genomes Project 0.00020.
gnomAD v4.1: 14 of 1,614,148 alleles (0.00087%); highest among the groups gnomAD compares: South Asian, 0.015%; no homozygotes.

Submission:

Labcorp Genetics (formerly Invitae), Labcorp
Classification: Uncertain significance. Last evaluated: 2022-03-18. Review status: criteria provided, single submitter. Criteria: Invitae Variant Classification Sherloc (09022015). Collection method: clinical testing. Allele origin: germline.
Comment: This variant is present in population databases (rs530754048, gnomAD 0.01%). This variant has not been reported in the literature in individuals affected with RUSC2-related conditions. Algorithms developed to predict the effect of missense changes on protein structure and function (SIFT, PolyPhen-2, Align-GVGD) all suggest that this variant is likely to be tolerated. In summary, the available evidence is currently insufficient to determine the role of this variant in disease. Therefore, it has been classified as a Variant of Uncertain Significance. This sequence change replaces glutamic acid, which is acidic and polar, with lysine, which is basic and polar, at codon 836 of the RUSC2 protein (p.Glu836Lys).